The following is an entry in ClinVar:

ClinVar aggregate classification (germline): Uncertain significance (1 of 4 stars; one submission).

Submission:

Labcorp Genetics (formerly Invitae), Labcorp
Classification: Uncertain significance. Last evaluated: 2023-07-21. Review status: criteria provided, single submitter. Criteria: Invitae Variant Classification Sherloc (09022015). Collection method: clinical testing. Allele origin: germline.
Comment: In summary, the available evidence is currently insufficient to determine the role of this variant in disease. Therefore, it has been classified as a Variant of Uncertain Significance. Advanced modeling of protein sequence and biophysical properties (such as structural, functional, and spatial information, amino acid conservation, physicochemical variation, residue mobility, and thermodynamic stability) performed at Invitae indicates that this missense variant is expected to disrupt CLCN4 protein function. This variant has not been reported in the literature in individuals affected with CLCN4-related conditions. This variant is not present in population databases (gnomAD no frequency). This sequence change replaces tryptophan, which is neutral and slightly polar, with arginine, which is basic and polar, at codon 94 of the CLCN4 protein (p.Trp94Arg).

NM_001830.4(CLCN4):c.280T>C (p.Trp94Arg)

Gene: CLCN4 (chloride voltage-gated channel 4; plus strand). Cytogenetic location: Xp22.2.
Variant type: single nucleotide variant.
Coding change: c.280T>C on transcript NM_001830.4 (MANE Select); coding-DNA position 280, T replaced by C.
Protein change: p.Trp94Arg; replaces tryptophan 94 with arginine.
Molecular consequence: missense variant. On other transcripts: 5 prime UTR variant (1).
Genome position (GRCh38, 1-based): chrX:10,194,946, T>C. VCF-style: chrX-10194946-T-C. GRCh37 (hg19) VCF-style: chrX-10162986-T-C.
Other names: c.-3T>C (NM_001256944.2); short protein forms W94R.
Identifiers: ClinVar variation 2813004 (VCV002813004.3), dbSNP rs2518877826, ClinGen allele CA412034063.